The following is an entry in ClinVar:

NM_003070.5(SMARCA2):c.2415+3T>C

Gene: SMARCA2 (SWI/SNF related BAF chromatin remodeling complex subunit ATPase 2; plus strand). Cytogenetic location: 9p24.3.
Variant type: single nucleotide variant.
Coding change: c.2415+3T>C on transcript NM_003070.5 (MANE Select); 3 bases into the intron after coding-DNA position 2415, T replaced by C.
Molecular consequence: intron variant.
Genome position (GRCh38, 1-based): chr9:2,083,416, T>C. VCF-style: chr9-2083416-T-C. GRCh37 (hg19) VCF-style: chr9-2083416-T-C.
Other names: c.2415+3T>C (NM_139045.4, NM_001289397.2, NM_001289396.2).
Identifiers: ClinVar variation 2721195 (VCV002721195.3), dbSNP rs2537336255, ClinGen allele CA2697550268.
Genomic context (GRCh38, chr9:2,083,416, plus strand): 5'-TAACTGGACATATGAATTTGACAAATGGGCTCCTTCTGTGGTGAAGATTTCTTACAAGGT[T>C]TGGAATGCTGTATTTATATATAAATGTGGAAAAGCAAAAAATAGACCCTATTTTCTTCAT-3'

ClinVar aggregate classification (germline): Uncertain significance (1 of 4 stars; one submission).

Submission:

Labcorp Genetics (formerly Invitae), Labcorp
Classification: Uncertain significance. Last evaluated: 2025-09-02. Review status: criteria provided, single submitter. Criteria: Invitae Variant Classification Sherloc (09022015). Collection method: clinical testing. Allele origin: germline.
Comment: This sequence change falls in intron 16 of the SMARCA2 gene. It does not directly change the encoded amino acid sequence of the SMARCA2 protein. It affects a nucleotide within the consensus splice site. This variant is not present in population databases (gnomAD no frequency). This variant has not been reported in the literature in individuals affected with SMARCA2-related conditions. ClinVar contains an entry for this variant (Variation ID: 2721195). Variants that disrupt the consensus splice site are a relatively common cause of aberrant splicing (PMID: 17576681, 9536098). Algorithms developed to predict the effect of sequence changes on RNA splicing suggest that this variant is not likely to affect RNA splicing. In summary, the available evidence is currently insufficient to determine the role of this variant in disease. Therefore, it has been classified as a Variant of Uncertain Significance.

Literature cited by the submitters: PubMed 17576681; PubMed 9536098.